The following is an entry in ClinVar:

NM_145054.5(CFAP52):c.771G>T (p.Arg257Ser)

Gene: CFAP52 (cilia and flagella associated protein 52; plus strand). Cytogenetic location: 17p13.1.
Variant type: single nucleotide variant.
Coding change: c.771G>T on transcript NM_145054.5 (MANE Select); coding-DNA position 771, G replaced by T.
Protein change: p.Arg257Ser; replaces arginine 257 with serine.
Molecular consequence: missense variant.
Genome position (GRCh38, 1-based): chr17:9,608,136, G>T. VCF-style: chr17-9608136-G-T. GRCh37 (hg19) VCF-style: chr17-9511453-G-T.
Other names: c.567G>T, p.Arg189Ser (NM_001080556.2); short protein forms R189S, R257S.
Identifiers: ClinVar variation 645178 (VCV000645178.9), dbSNP rs1389914976, ClinGen allele CA398066514.

ClinVar aggregate classification (germline): Uncertain significance (1 of 4 stars; one submission).

Conditions:
Situs inversus. Also called: Situs inversus totalis. Identifiers: Orphanet 101063, MedGen C4551493, MONDO:0010029, HP:0001696.

Submission:

Labcorp Genetics (formerly Invitae), Labcorp
Classification: Uncertain significance for Situs inversus. Last evaluated: 2022-02-04. Review status: criteria provided, single submitter. Criteria: Invitae Variant Classification Sherloc (09022015). Collection method: clinical testing. Allele origin: germline.
Comment: In summary, the available evidence is currently insufficient to determine the role of this variant in disease. Therefore, it has been classified as a Variant of Uncertain Significance. Algorithms developed to predict the effect of missense changes on protein structure and function output the following: SIFT: "Tolerated"; PolyPhen-2: "Benign"; Align-GVGD: "Class C0". The serine amino acid residue is found in multiple mammalian species, which suggests that this missense change does not adversely affect protein function. ClinVar contains an entry for this variant (Variation ID: 645178). This variant has not been reported in the literature in individuals affected with CFAP52-related conditions. This variant is not present in population databases (gnomAD no frequency). This sequence change replaces arginine, which is basic and polar, with serine, which is neutral and polar, at codon 257 of the CFAP52 protein (p.Arg257Ser).